The following is an entry in ClinVar:

NM_030665.4(RAI1):c.1690_1691del (p.Met564fs)

Gene: RAI1 (retinoic acid induced 1; plus strand). Cytogenetic location: 17p11.2.
Variant type: Deletion.
Coding change: c.1690_1691del on transcript NM_030665.4 (MANE Select); coding-DNA positions 1690 to 1691, 2 bases deleted (AT; older notation c.1690_1691delAT).
Protein change: p.Met564fs; shifts the reading frame from methionine 564.
Molecular consequence: frameshift variant.
Genome position (GRCh38, 1-based): chr17:17,794,638-17,794,639, AT deleted. VCF-style (leftmost placement, unchanged base first): chr17-17794637-CAT-C. GRCh37 (hg19) VCF-style: chr17-17697951-CAT-C.
Other names: short protein forms M564fs.
Identifiers: ClinVar variation 265668 (VCV000265668.2), dbSNP rs886039715, ClinGen allele CA10588642.

ClinVar aggregate classification (germline): Pathogenic (1 of 4 stars; one submission).

Submission:

GeneDx
Classification: Pathogenic. Last evaluated: 2016-08-16. Review status: criteria provided, single submitter. Criteria: GeneDx Variant Classification (06012015). Collection method: clinical testing. Allele origin: germline. Affected: yes.
Comment: The c.1690_1691delAT pathogenic variant in the RAI1 gene has not been reported previously as a pathogenic variant nor as a benign variant, to our knowledge. This variant causes a frameshift starting with codon Methionine 564, changes this amino acid to a Valine residue, and creates a premature Stop codon at position 5 of the new reading frame, denoted p.Met564ValfsX5. This variant is predicted to cause loss of normal protein function either through protein truncation or nonsense-mediated mRNA decay. The c.1690_1691delAT variant was not observed in approximately 6500 individuals of European and African American ancestry in the NHLBI Exome Sequencing Project, indicating it is not a common benign variant in these populations. We interpret c.1690_1691delAT as a pathogenic variant.